The following is an entry in ClinVar:

ClinVar aggregate classification (germline): Uncertain significance. Review status: criteria provided, multiple submitters, no conflicts (2 of 4 stars). 2 submissions from 2 submitters: Uncertain significance (2). Last evaluated 2025-04-28.

Allele frequency attached by ClinVar (database versions not stated): TOPMed 0.00004; ExAC 0.00003; gnomAD 0.00005; gnomAD exomes 0.00004.
gnomAD v4.1: 62 of 1,602,334 alleles (0.0039%); highest among the groups gnomAD compares: Non-Finnish European, 0.005%; no homozygotes.

Submissions (2):

Labcorp Genetics (formerly Invitae), Labcorp
Classification: Uncertain significance. Last evaluated: 2025-04-28. Review status: criteria provided, single submitter. Criteria: Invitae Variant Classification Sherloc (09022015). Collection method: clinical testing. Allele origin: germline.
Comment: This sequence change replaces valine, which is neutral and non-polar, with leucine, which is neutral and non-polar, at codon 569 of the ATRIP protein (p.Val569Leu). This variant is present in population databases (rs775410946, gnomAD 0.007%). This variant has not been reported in the literature in individuals affected with ATRIP-related conditions. ClinVar contains an entry for this variant (Variation ID: 3023406). An algorithm developed to predict the effect of missense changes on protein structure and function (PolyPhen-2) suggests that this variant is likely to be disruptive. In summary, the available evidence is currently insufficient to determine the role of this variant in disease. Therefore, it has been classified as a Variant of Uncertain Significance.

Ambry Genetics
Classification: Uncertain significance. Last evaluated: 2024-12-25. Review status: criteria provided, single submitter. Criteria: Ambry Variant Classification Scheme 2023. Collection method: clinical testing. Allele origin: germline.
Comment: The p.V569L variant (also known as c.1705G>T), located in coding exon 8 of the ATRIP gene, results from a G to T substitution at nucleotide position 1705. The valine at codon 569 is replaced by leucine, an amino acid with highly similar properties. This amino acid position is conserved. In addition, the in silico prediction for this alteration is inconclusive. Based on the available evidence, the clinical significance of this variant remains unclear.

NM_130384.3(ATRIP):c.1705G>T (p.Val569Leu)

Genes: ATRIP (ATR interacting protein; plus strand), ATRIP-TREX1 (ATRIP-TREX1 readthrough; plus strand). Cytogenetic location: 3p21.31.
Variant type: single nucleotide variant.
Coding change: c.1705G>T on transcript NM_130384.3 (MANE Select); coding-DNA position 1705, G replaced by T.
Protein change: p.Val569Leu; replaces valine 569 with leucine.
Molecular consequence: missense variant. On other transcripts: non-coding transcript variant (1).
Genome position (GRCh38, 1-based): chr3:48,460,759, G>T. VCF-style: chr3-48460759-G-T. GRCh37 (hg19) VCF-style: chr3-48502158-G-T.
Other names: c.1705G>T (NM_130384.1); c.1324G>T, p.Val442Leu (NM_001271022.2); c.1426G>T, p.Val476Leu (NM_001271023.2); c.1705G>T, p.Val569Leu (NM_032166.4); short protein forms V476L, V442L, V569L.
Identifiers: ClinVar variation 3023406 (VCV003023406.5), dbSNP rs775410946, ClinGen allele CA2376245.